The following is an entry in ClinVar:

NM_001256789.3(CACNA1F):c.1513C>G (p.Arg505Gly)

Gene: CACNA1F (calcium voltage-gated channel subunit alpha1 F; minus strand). Cytogenetic location: Xp11.23.
Variant type: single nucleotide variant.
Coding change: c.1513C>G on transcript NM_001256789.3 (MANE Select); coding-DNA position 1513, C replaced by G.
Protein change: p.Arg505Gly; replaces arginine 505 with glycine.
Molecular consequence: missense variant.
Genome position (GRCh38, 1-based): chrX:49,226,047, G>C on the plus strand (C>G on the coding strand, the complement: CACNA1F is on the minus strand). VCF-style: chrX-49226047-G-C. GRCh37 (hg19) VCF-style: chrX-49082509-G-C.
Other names: c.1351C>G, p.Arg451Gly (NM_001256790.3); c.1546C>G, p.Arg516Gly (NM_005183.4); short protein forms R451G, R505G, R516G.
Identifiers: ClinVar variation 1008369 (VCV001008369.10), dbSNP rs782202134, ClinGen allele CA10410836.
Genomic context (GRCh38, chrX:49,226,047, plus strand): 5'-GCACAGCCCAGTAGCAGGCATTGGACTTCACTGCCCGACGGCAGCGTGCCCGAAGGACCC[G>C]GTTGGCTCGGCGGAGGCGGCGGCTGGGGGAAGGGGAGCCCACAGGCTGAGATCACCTACC-3'
Protein context (NP_001243718.1, residues 495-515): RVCRRLRRAN[Arg505Gly]VLRARCRRAV

ClinVar aggregate classification (germline): Uncertain significance (1 of 4 stars; one submission).

Allele frequency attached by ClinVar (database versions not stated): gnomAD 0.00003; TOPMed 0.00003; ExAC 0.00008.

Submission:

Labcorp Genetics (formerly Invitae), Labcorp
Classification: Uncertain significance. Last evaluated: 2023-06-09. Review status: criteria provided, single submitter. Criteria: Invitae Variant Classification Sherloc (09022015). Collection method: clinical testing. Allele origin: germline.
Comment: This sequence change replaces arginine, which is basic and polar, with glycine, which is neutral and non-polar, at codon 516 of the CACNA1F protein (p.Arg516Gly). This variant is present in population databases (rs782202134, gnomAD 0.01%). In summary, the available evidence is currently insufficient to determine the role of this variant in disease. Therefore, it has been classified as a Variant of Uncertain Significance. Advanced modeling of protein sequence and biophysical properties (such as structural, functional, and spatial information, amino acid conservation, physicochemical variation, residue mobility, and thermodynamic stability) performed at Invitae indicates that this missense variant is not expected to disrupt CACNA1F protein function. ClinVar contains an entry for this variant (Variation ID: 1008369). This variant has not been reported in the literature in individuals affected with CACNA1F-related conditions.